The following is an entry in ClinVar:

NM_001079668.3(NKX2-1):c.1016G>C (p.Gly339Ala)

Genes: NKX2-1 (NK2 homeobox 1; minus strand), SFTA3 (surfactant associated 3; minus strand). Cytogenetic location: 14q13.3.
Variant type: single nucleotide variant.
Coding change: c.1016G>C on transcript NM_001079668.3 (MANE Select); coding-DNA position 1016, G replaced by C.
Protein change: p.Gly339Ala; replaces glycine 339 with alanine.
Molecular consequence: missense variant.
Genome position (GRCh38, 1-based): chr14:36,517,468, C>G on the plus strand (G>C on the coding strand, the complement: NKX2-1 is on the minus strand). VCF-style: chr14-36517468-C-G. GRCh37 (hg19) VCF-style: chr14-36986673-C-G.
Other names: c.926G>C, p.Gly309Ala (NM_003317.4); short protein forms G309A, G339A.
Identifiers: ClinVar variation 4976422 (VCV004976422.1).

ClinVar aggregate classification (germline): Uncertain significance (1 of 4 stars; one submission).

gnomAD v4.1: 4 of 1,409,138 alleles (0.00028%); highest among the groups gnomAD compares: Non-Finnish European, 0.00037%; no homozygotes.

Submission:

GeneDx
Classification: Uncertain significance. Last evaluated: 2026-02-12. Review status: criteria provided, single submitter. Criteria: GeneDx Variant Classification Process June 2021. Collection method: clinical testing. Allele origin: germline.
Comment: Not observed at significant frequency in large population cohorts (gnomAD); In silico analysis suggests that this missense variant does not alter protein structure/function; Has not been previously published as pathogenic or benign to our knowledge